The following is an entry in ClinVar:

ClinVar aggregate classification (germline): Uncertain significance (1 of 4 stars; one submission).

Conditions:
Adams-Oliver syndrome 5 (AOS5). Identifiers: Orphanet 974, MedGen C4014970, MONDO:0014459, OMIM 616028.

gnomAD v4.1: 1 of 1,606,244 alleles (0.000062%); highest among the groups gnomAD compares: East Asian, 0.0022%; no homozygotes.

Submission:

Labcorp Genetics (formerly Invitae), Labcorp
Classification: Uncertain significance for Adams-Oliver syndrome 5. Last evaluated: 2025-09-03. Review status: criteria provided, single submitter. Criteria: Invitae Variant Classification Sherloc (09022015). Collection method: clinical testing. Allele origin: germline.
Comment: This sequence change replaces proline, which is neutral and non-polar, with serine, which is neutral and polar, at codon 2138 of the NOTCH1 protein (p.Pro2138Ser). This variant is not present in population databases (gnomAD no frequency). This variant has not been reported in the literature in individuals affected with NOTCH1-related conditions. Invitae Evidence Modeling of protein sequence and biophysical properties (such as structural, functional, and spatial information, amino acid conservation, physicochemical variation, residue mobility, and thermodynamic stability) indicates that this missense variant is not expected to disrupt NOTCH1 protein function with a negative predictive value of 80%. In summary, the available evidence is currently insufficient to determine the role of this variant in disease. Therefore, it has been classified as a Variant of Uncertain Significance.

NM_017617.5(NOTCH1):c.6412C>T (p.Pro2138Ser)

Gene: NOTCH1 (notch receptor 1; minus strand). Cytogenetic location: 9q34.3.
Variant type: single nucleotide variant.
Coding change: c.6412C>T on transcript NM_017617.5 (MANE Select); coding-DNA position 6412, C replaced by T.
Protein change: p.Pro2138Ser; replaces proline 2138 with serine.
Molecular consequence: missense variant.
Genome position (GRCh38, 1-based): chr9:136,497,327, G>A on the plus strand (C>T on the coding strand, the complement: NOTCH1 is on the minus strand). VCF-style: chr9-136497327-G-A. GRCh37 (hg19) VCF-style: chr9-139391779-G-A.
Other names: short protein forms P2138S.
Identifiers: ClinVar variation 4740916 (VCV004740916.1).